The following is an entry in ClinVar:

ClinVar aggregate classification (germline): Uncertain significance (1 of 4 stars; one submission).

Conditions:
Charcot-Marie-Tooth disease dominant intermediate E. Also called: CHARCOT-MARIE-TOOTH NEUROPATHY WITH FOCAL SEGMENTAL GLOMERULONEPHRITIS. Identifiers: Orphanet 93114, MedGen C4302667, MONDO:0013758, OMIM 614455.
Focal segmental glomerulosclerosis 5 (FSGS5). Identifiers: Orphanet 656, MedGen C2750475, MONDO:0013191, OMIM 613237.

Submission:

Labcorp Genetics (formerly Invitae), Labcorp
Classification: Uncertain significance for Charcot-Marie-Tooth disease dominant intermediate E; Focal segmental glomerulosclerosis 5. Last evaluated: 2022-10-20. Review status: criteria provided, single submitter. Criteria: Invitae Variant Classification Sherloc (09022015). Collection method: clinical testing. Allele origin: germline.
Comment: This sequence change replaces arginine, which is basic and polar, with lysine, which is basic and polar, at codon 763 of the INF2 protein (p.Arg763Lys). This variant is not present in population databases (gnomAD no frequency). This variant has not been reported in the literature in individuals affected with INF2-related conditions. Advanced modeling of protein sequence and biophysical properties (such as structural, functional, and spatial information, amino acid conservation, physicochemical variation, residue mobility, and thermodynamic stability) performed at Invitae indicates that this missense variant is not expected to disrupt INF2 protein function. In summary, the available evidence is currently insufficient to determine the role of this variant in disease. Therefore, it has been classified as a Variant of Uncertain Significance.

NM_022489.4(INF2):c.2288G>A (p.Arg763Lys)

Gene: INF2 (inverted formin 2; plus strand). Cytogenetic location: 14q32.33.
Variant type: single nucleotide variant.
Coding change: c.2288G>A on transcript NM_022489.4 (MANE Select); coding-DNA position 2288, G replaced by A.
Protein change: p.Arg763Lys; replaces arginine 763 with lysine.
Molecular consequence: missense variant.
Genome position (GRCh38, 1-based): chr14:104,710,985, G>A. VCF-style: chr14-104710985-G-A. GRCh37 (hg19) VCF-style: chr14-105177322-G-A.
Other names: c.2288G>A, p.Arg763Lys (NM_001031714.4); short protein forms R763K.
Identifiers: ClinVar variation 1971846 (VCV001971846.5), dbSNP rs2541937507, ClinGen allele CA391220964.